The following is an entry in ClinVar:

NM_001393586.1(MYO7B):c.6224A>G (p.Tyr2075Cys)

Gene: MYO7B (myosin VIIB; plus strand). Cytogenetic location: 2q14.3.
Variant type: single nucleotide variant.
Coding change: c.6224A>G on transcript NM_001393586.1 (MANE Select); coding-DNA position 6224, A replaced by G.
Protein change: p.Tyr2075Cys; replaces tyrosine 2075 with cysteine.
Molecular consequence: missense variant.
Genome position (GRCh38, 1-based): chr2:127,636,810, A>G. VCF-style: chr2-127636810-A-G. GRCh37 (hg19) VCF-style: chr2-128394385-A-G.
Other names: c.6146A>G, p.Tyr2049Cys (NM_001080527.2); c.2705A>G, p.Tyr902Cys (NM_001393594.1); short protein forms Y2049C, Y2075C, Y902C.
Identifiers: ClinVar variation 732767 (VCV000732767.5), dbSNP rs367810844, ClinGen allele CA1862621.
Genomic context (GRCh38, chr2:127,636,810, plus strand): 5'-CGTGCTCTGGAGGCGTCCGGCCCACCCACCCTCTCTGCCCCCAGGACCTGCTCACCACCT[A>G]TCCCTTCACCAAGATCTCCAGCTGGAGCAGCGGCAGCACCTACTTCCACATGGCGCTGGG-3'
Protein context (NP_001380515.1, residues 2065-2085): HPKTKDLLTT[Tyr2075Cys]PFTKISSWSS

ClinVar aggregate classification (germline): Likely benign. Review status: criteria provided, single submitter (1 of 4 stars). 2 submissions from 2 submitters: Likely benign (1). 1 of the submissions does not count toward it. Last evaluated 2018-01-12.

Conditions:
MYO7B-related disorder. Also called: MYO7B-related condition.

Allele frequency attached by ClinVar (database versions not stated): TOPMed 0.00019; gnomAD 0.00042; ExAC 0.00057; 1000 Genomes Project 30x 0.00078; 1000 Genomes Project 0.00100.
gnomAD v4.1: 185 of 1,613,088 alleles (0.011%); highest among the groups gnomAD compares: East Asian, 0.31%; no homozygotes.

Submissions (2):

Labcorp Genetics (formerly Invitae), Labcorp
Classification: Likely benign. Last evaluated: 2018-01-12. Review status: criteria provided, single submitter. Criteria: Invitae Variant Classification Sherloc (09022015). Collection method: clinical testing. Allele origin: germline.

PreventionGenetics, part of Exact Sciences
Classification: Likely benign for MYO7B-related condition. Last evaluated: 2019-03-25. Review status: no assertion criteria provided. Collection method: clinical testing. Allele origin: germline. Not counted in ClinVar's aggregate classification.
Comment: This variant is classified as likely benign based on ACMG/AMP sequence variant interpretation guidelines (Richards et al. 2015 PMID: 25741868, with internal and published modifications).